The following is an entry in ClinVar:

NM_000179.3(MSH6):c.2964C>G (p.Arg988=)

Gene: MSH6 (mutS homolog 6; plus strand). Cytogenetic location: 2p16.3.
Variant type: single nucleotide variant.
Coding change: c.2964C>G on transcript NM_000179.3 (MANE Select); coding-DNA position 2964, C replaced by G.
Protein change: p.Arg988=; no amino-acid change (arginine 988 retained).
Molecular consequence: synonymous variant. On other transcripts: non-coding transcript variant (5), intron variant (2).
Genome position (GRCh38, 1-based): chr2:47,800,947, C>G. VCF-style: chr2-47800947-C-G. GRCh37 (hg19) VCF-style: chr2-48028086-C-G.
Other names: c.2574C>G, p.Arg858= (NM_001281492.2); c.2058C>G, p.Arg686= (NM_001281493.2, NM_001281494.2, NM_001406811.1 and 6 more transcripts); c.3060C>G, p.Arg1020= (NM_001406795.1, NM_001406802.1); c.2964C>G, p.Arg988= (NM_001406796.1, NM_001406798.1, NM_001406800.1 and 2 more transcripts); c.2667C>G, p.Arg889= (NM_001406797.1, NM_001406801.1, NM_001406805.1 and 10 more transcripts); c.2439C>G, p.Arg813= (NM_001406799.1, NM_001406806.1, NM_001406807.1); c.2886C>G, p.Arg962= (NM_001406804.1); c.2970C>G, p.Arg990= (NM_001406813.1); and 4 more.
Identifiers: ClinVar variation 1798197 (VCV001798197.3), dbSNP rs144288981, ClinGen allele CA426122090.

ClinVar aggregate classification (germline): Benign/Likely benign. Review status: criteria provided, multiple submitters, no conflicts (2 of 4 stars). 2 submissions from 2 submitters: Benign (1); Likely benign (1). Last evaluated 2025-01-02.

Conditions:
Hereditary cancer-predisposing syndrome. Also called: Neoplastic Syndromes, Hereditary; Tumor predisposition; Hereditary Cancer Syndrome; Hereditary neoplastic syndrome. Identifiers: Orphanet 140162, MedGen C0027672, MeSH D009386, MONDO:0015356.
Lynch syndrome 5 (LYNCH5). Also called: Colorectal cancer, hereditary nonpolyposis, type 5; Hereditary non-polyposis colorectal cancer, type 5. Identifiers: Orphanet 144, MedGen C1833477, MONDO:0013710, OMIM 614350. Disease mechanism: loss of function.

gnomAD v4.1: 1 of 1,572,048 alleles (0.000064%); highest among the groups gnomAD compares: East Asian, 0.0022%; no homozygotes.

Submissions (2):

Myriad Genetics, Inc.
Classification: Benign for Lynch syndrome 5. Last evaluated: 2025-01-02. Review status: criteria provided, single submitter. Criteria: Myriad Autosomal Dominant, Autosomal Recessive and X-Linked Classification Criteria (2023). Collection method: clinical testing. Allele origin: unknown.
Comment: This variant is considered benign. This variant is a silent/synonymous amino acid change and it is not expected to impact splicing.

Ambry Genetics
Classification: Likely benign for Hereditary cancer-predisposing syndrome. Last evaluated: 2021-05-19. Review status: criteria provided, single submitter. Criteria: Ambry Variant Classification Scheme 2023. Collection method: clinical testing. Allele origin: germline.